The following is an entry in ClinVar:

NM_001909.5(CTSD):c.8C>T (p.Pro3Leu)

Genes: CTSD (cathepsin D; minus strand), LOC130005119 (ATAC-STARR-seq lymphoblastoid silent region 3058; plus strand). Cytogenetic location: 11p15.5.
Variant type: single nucleotide variant.
Coding change: c.8C>T on transcript NM_001909.5 (MANE Select); coding-DNA position 8, C replaced by T.
Protein change: p.Pro3Leu; replaces proline 3 with leucine.
Molecular consequence: missense variant.
Genome position (GRCh38, 1-based): chr11:1,763,852, G>A on the plus strand (C>T on the coding strand, the complement: CTSD is on the minus strand). VCF-style: chr11-1763852-G-A. GRCh37 (hg19) VCF-style: chr11-1785082-G-A.
Other names: p.P3L:CCC>CTC; p.Pro3Leu; short protein forms P3L.
Identifiers: ClinVar variation 205353 (VCV000205353.27), dbSNP rs757712173, ClinGen allele CA314348.

ClinVar aggregate classification (germline): Conflicting classifications of pathogenicity. Review status: criteria provided, conflicting classifications (1 of 4 stars). 12 submissions from 12 submitters: Uncertain significance (7); Likely benign (2). 3 of the submissions do not count toward it. Last evaluated 2025-07-17.

Conditions:
CTSD-related disorder. Also called: CTSD-related condition.
Inborn genetic diseases. Identifiers: MedGen C0950123, MeSH D030342.
Neuronal ceroid lipofuscinosis. Also called: Neuronal Ceroid Lipofuscinoses. Identifiers: Orphanet 216, Orphanet 79263, MedGen C0027877, MONDO:0016295. Disease mechanism: loss of function.
Neuronal ceroid lipofuscinosis 10 (CLN10). Also called: CTSD-Related Neuronal Ceroid-Lipofuscinosis; NEURONAL CEROID LIPOFUSCINOSIS DUE TO CATHEPSIN D DEFICIENCY. Identifiers: Orphanet 228337, MedGen C1864669, MONDO:0012414, OMIM 610127.

Allele frequency attached by ClinVar (database versions not stated): 1000 Genomes Project 30x 0.00016; TOPMed 0.00049; gnomAD 0.00067 and 0.00068; ExAC 0.00079.
gnomAD v4.1: 1,173 of 1,524,814 alleles (0.077%); highest among the groups gnomAD compares: Non-Finnish European, 0.091%; 1 homozygote.

Submissions (12):

ARUP Laboratories, Molecular Genetics and Genomics, ARUP Laboratories
Classification: Uncertain significance for Neuronal ceroid lipofuscinosis 10. Last evaluated: 2025-07-17. Review status: criteria provided, single submitter. Criteria: ARUP Molecular Germline Variant Investigation Process 2024. Collection method: clinical testing. Allele origin: germline.

Mayo Clinic Laboratories, Mayo Clinic
Classification: Likely benign. Last evaluated: 2025-01-20. Review status: criteria provided, single submitter. Criteria: ACMG Guidelines, 2015. Collection method: clinical testing. Allele origin: germline. Observed: 1 variant allele.
Comment: BS1, BP4_moderate

Blueprint Genetics
Classification: Likely benign. Last evaluated: 2024-11-26. Review status: criteria provided, single submitter. Criteria: ACMG Guidelines, 2015. Collection method: clinical testing. Allele origin: germline.

Ambry Genetics
Classification: Uncertain significance for Inborn genetic diseases. Last evaluated: 2023-11-06. Review status: criteria provided, single submitter. Criteria: Ambry Variant Classification Scheme 2023. Collection method: clinical testing. Allele origin: germline.

Labcorp Genetics (formerly Invitae), Labcorp
Classification: Uncertain significance for Neuronal ceroid lipofuscinosis. Last evaluated: 2022-10-25. Review status: criteria provided, single submitter. Criteria: Invitae Variant Classification Sherloc (09022015). Collection method: clinical testing. Allele origin: germline.
Comment: This sequence change replaces proline, which is neutral and non-polar, with leucine, which is neutral and non-polar, at codon 3 of the CTSD protein (p.Pro3Leu). This variant is present in population databases (rs757712173, gnomAD 0.1%), and has an allele count higher than expected for a pathogenic variant. This variant has not been reported in the literature in individuals affected with CTSD-related conditions. ClinVar contains an entry for this variant (Variation ID: 205353). Algorithms developed to predict the effect of missense changes on protein structure and function are either unavailable or do not agree on the potential impact of this missense change (SIFT: "Tolerated"; PolyPhen-2: "Not Available"; Align-GVGD: "Class C0"). In summary, the available evidence is currently insufficient to determine the role of this variant in disease. Therefore, it has been classified as a Variant of Uncertain Significance.

Fulgent Genetics
Classification: Uncertain significance for Neuronal ceroid lipofuscinosis 10. Last evaluated: 2021-09-09. Review status: criteria provided, single submitter. Criteria: ACMG Guidelines, 2015. Collection method: clinical testing. Allele origin: unknown.

GeneDx
Classification: Uncertain significance. Last evaluated: 2018-04-10. Review status: criteria provided, single submitter. Criteria: GeneDx Variant Classification (06012015). Collection method: clinical testing. Allele origin: germline. Affected: yes.
Comment: The P3L variant has not been published as a pathogenic variant, nor has it been reported as a benign variant to our knowledge. The P3L variant is not observed at a significant frequency in large population cohorts; however, limited data are available (Lek et al., 2016; 1000 Genomes Consortium et al., 2015; Exome Variant Server). The P3L variant is a semi-conservative amino acid substitution, which may impact secondary protein structure as these residues differ in some properties. However, this substitution occurs at a position that is not conserved, and in silico analysis predicts this variant likely does not alter the protein structure/function. Therefore, based on the currently available information, it is unclear whether this variant is a pathogenic variant or a rare benign variant.

Illumina Laboratory Services, Illumina
Classification: Uncertain significance for Neuronal ceroid lipofuscinosis 10. Last evaluated: 2018-01-13. Review status: criteria provided, single submitter. Criteria: ICSL Variant Classification Criteria 13 December 2019. Collection method: clinical testing. Allele origin: germline.

Eurofins Ntd Llc (ga)
Classification: Uncertain significance. Last evaluated: 2017-06-02. Review status: criteria provided, single submitter. Criteria: EGL Classification Definitions 2015. Collection method: clinical testing. Allele origin: germline. Observed: 1 variant allele, 1 heterozygote.

PreventionGenetics, part of Exact Sciences
Classification: Likely benign for CTSD-related condition. Last evaluated: 2020-08-05. Review status: no assertion criteria provided. Collection method: clinical testing. Allele origin: germline. Not counted in ClinVar's aggregate classification.
Comment: This variant is classified as likely benign based on ACMG/AMP sequence variant interpretation guidelines (Richards et al. 2015 PMID: 25741868, with internal and published modifications).

Clinical Genetics DNA and cytogenetics Diagnostics Lab, Erasmus MC, Erasmus Medical Center
Classification: Likely benign. Review status: no assertion criteria provided. Collection method: clinical testing. Allele origin: germline. Affected: yes. Study: VKGL Data-share Consensus. Not counted in ClinVar's aggregate classification.

Genome Diagnostics Laboratory, Amsterdam University Medical Center
Classification: Likely benign. Review status: no assertion criteria provided. Collection method: clinical testing. Allele origin: germline. Affected: yes. Study: VKGL Data-share Consensus. Not counted in ClinVar's aggregate classification.

Literature cited by the submitters: PubMed 38756210 (cited by Mayo Clinic Laboratories, Mayo Clinic).